The following is an entry in ClinVar:

ClinVar aggregate classification (germline): Pathogenic/Likely pathogenic. Review status: criteria provided, multiple submitters, no conflicts (2 of 4 stars). 2 submissions from 2 submitters: Pathogenic (1); Likely pathogenic (1). Last evaluated 2025-12-16.

Conditions:
Retinitis pigmentosa 62 (RP62). Identifiers: Orphanet 791, MedGen C3280042, MONDO:0013611, OMIM 614181.

Submissions (2):

Labcorp Genetics (formerly Invitae), Labcorp
Classification: Pathogenic. Last evaluated: 2025-12-16. Review status: criteria provided, single submitter. Criteria: Invitae Variant Classification Sherloc (09022015). Collection method: clinical testing. Allele origin: germline.
Comment: This sequence change creates a premature translational stop signal (p.Glu408Lysfs*57) in the MAK gene. It is expected to result in an absent or disrupted protein product. Loss-of-function variants in MAK are known to be pathogenic (PMID: 21148103, 21825139, 24938718, 29781741). This variant is not present in population databases (gnomAD no frequency). This variant has not been reported in the literature in individuals affected with MAK-related conditions. ClinVar contains an entry for this variant (Variation ID: 1070586). For these reasons, this variant has been classified as Pathogenic.

Fulgent Genetics
Classification: Likely pathogenic for Retinitis pigmentosa 62. Last evaluated: 2024-03-31. Review status: criteria provided, single submitter. Criteria: ACMG Guidelines, 2015. Collection method: clinical testing. Allele origin: germline.

Literature cited by the submitters: PubMed 21148103 (cited by Labcorp Genetics (formerly Invitae), Labcorp); PubMed 21825139 (cited by Labcorp Genetics (formerly Invitae), Labcorp); PubMed 24938718 (cited by Labcorp Genetics (formerly Invitae), Labcorp); PubMed 29781741 (cited by Labcorp Genetics (formerly Invitae), Labcorp).

NM_001242957.3(MAK):c.1222del (p.Glu408fs)

Gene: MAK (male germ cell associated kinase; minus strand). Cytogenetic location: 6p24.2.
Variant type: Deletion.
Coding change: c.1222del on transcript NM_001242957.3 (MANE Select); coding-DNA position 1222, one base deleted (G; older notation c.1222delG).
Protein change: p.Glu408fs; shifts the reading frame from glutamic acid 408.
Molecular consequence: frameshift variant. On other transcripts: non-coding transcript variant (2).
Genome position (GRCh38, 1-based): chr6:10,791,769, C deleted on the plus strand (G on the coding strand, the reverse complement: MAK is on the minus strand); the first of 3 consecutive C bases (chr6:10,791,769-10,791,771); deleting any one gives the same sequence. VCF-style (leftmost placement, unchanged base first): chr6-10791768-TC-T. GRCh37 (hg19) VCF-style: chr6-10792001-TC-T.
Other names: c.1222del, p.Glu408fs (NM_001242385.2, NM_005906.6); c.1120del, p.Glu374fs (NM_001377262.1); short protein forms E374fs, E408fs.
Identifiers: ClinVar variation 1070586 (VCV001070586.8), dbSNP rs1241201095, ClinGen allele CA816930162.